The following is an entry in ClinVar:

NM_173489.5(MROH2B):c.152T>C (p.Ile51Thr)

Gene: MROH2B (maestro heat like repeat family member 2B; minus strand). Cytogenetic location: 5p13.1.
Variant type: single nucleotide variant.
Coding change: c.152T>C on transcript NM_173489.5 (MANE Select); coding-DNA position 152, T replaced by C.
Protein change: p.Ile51Thr; replaces isoleucine 51 with threonine.
Molecular consequence: missense variant.
Genome position (GRCh38, 1-based): chr5:41,067,157, A>G on the plus strand (T>C on the coding strand, the complement: MROH2B is on the minus strand). VCF-style: chr5-41067157-A-G. GRCh37 (hg19) VCF-style: chr5-41067259-A-G.
Other names: short protein forms I51T.
Identifiers: ClinVar variation 2655449 (VCV002655449.24), dbSNP rs139046598, ClinGen allele CA3251963.

ClinVar aggregate classification (germline): Likely benign (1 of 4 stars; one submission).

Allele frequency attached by ClinVar (database versions not stated): 1000 Genomes Project 0.00140; 1000 Genomes Project 30x 0.00156; ESP Exome Variant Server 0.00319; TOPMed 0.00319; gnomAD 0.00322; gnomAD exomes 0.00393; ExAC 0.00455.

Submission:

CeGaT Center for Human Genetics Tuebingen
Classification: Likely benign. Last evaluated: 2023-06-01. Review status: criteria provided, single submitter. Criteria: CeGaT Center For Human Genetics Tuebingen Variant Classification Criteria Version 2. Collection method: clinical testing. Allele origin: germline. Affected: yes. Observed: 1 variant allele.
Comment: MROH2B: BS2